The following is an entry in ClinVar:

NM_000349.3(STAR):c.131C>G (p.Thr44Ser)

Gene: STAR (steroidogenic acute regulatory protein; minus strand). Cytogenetic location: 8p11.23.
Variant type: single nucleotide variant.
Coding change: c.131C>G on transcript NM_000349.3 (MANE Select); coding-DNA position 131, C replaced by G.
Protein change: p.Thr44Ser; replaces threonine 44 with serine.
Molecular consequence: missense variant.
Genome position (GRCh38, 1-based): chr8:38,148,688, G>C on the plus strand (C>G on the coding strand, the complement: STAR is on the minus strand). VCF-style: chr8-38148688-G-C. GRCh37 (hg19) VCF-style: chr8-38006206-G-C.
Other names: short protein forms T44S.
Identifiers: ClinVar variation 1995653 (VCV001995653.4), dbSNP rs2487069111, ClinGen allele CA370703944.
Genomic context (GRCh38, chr8:38,148,688, plus strand): 5'-CCTCAGCACTTACCGAGTAGAGAGCTCCGCCGCCGAACCTGGTTAATCCACGTGCTAGGG[G>C]TGGGGCCCCCCAGGGCCCTCCGGTTCAGCTCCTGGCTGATGGCCATCACAGCCTGTTGCC-3'
Protein context (NP_000340.2, residues 34-54): ELNRRALGGP[Thr44Ser]PSTWINQVRR

ClinVar aggregate classification (germline): Uncertain significance (1 of 4 stars; one submission).

Submission:

Labcorp Genetics (formerly Invitae), Labcorp
Classification: Uncertain significance. Last evaluated: 2022-08-22. Review status: criteria provided, single submitter. Criteria: Invitae Variant Classification Sherloc (09022015). Collection method: clinical testing. Allele origin: germline.
Comment: In summary, the available evidence is currently insufficient to determine the role of this variant in disease. Therefore, it has been classified as a Variant of Uncertain Significance. Algorithms developed to predict the effect of missense changes on protein structure and function output the following: SIFT: "Tolerated"; PolyPhen-2: "Benign"; Align-GVGD: "Class C0". The serine amino acid residue is found in multiple mammalian species, which suggests that this missense change does not adversely affect protein function. This variant has not been reported in the literature in individuals affected with STAR-related conditions. This variant is not present in population databases (gnomAD no frequency). This sequence change replaces threonine, which is neutral and polar, with serine, which is neutral and polar, at codon 44 of the STAR protein (p.Thr44Ser).